The following is an entry in ClinVar:

ClinVar aggregate classification (germline): Benign (1 of 4 stars; one submission).

Allele frequency attached by ClinVar (database versions not stated): TOPMed 0.35298; 1000 Genomes Project 30x 0.43348; 1000 Genomes Project 0.44708.
gnomAD v4.1: 53,953 of 151,634 alleles (36%); highest among the groups gnomAD compares: East Asian, 79%; 10,812 homozygotes.

Submissions (15):

GeneDx
Classification: Benign. Last evaluated: 2018-06-14. Review status: criteria provided, single submitter. Criteria: GeneDx Variant Classification (06012015). Collection method: clinical testing. Allele origin: germline. Affected: yes.
Comment: This variant is considered likely benign or benign based on one or more of the following criteria: it is a conservative change, it occurs at a poorly conserved position in the protein, it is predicted to be benign by multiple in silico algorithms, and/or has population frequency not consistent with disease.

Dr. Peter K. Rogan Lab, Western University
No classification provided (evidence only). Condition: Lung cancer. Review status: no classification provided. Collection method: in vitro. Allele origin: not applicable. Functional consequence: skipped exon. Not counted in ClinVar's aggregate classification.

Dr. Peter K. Rogan Lab, Western University
No classification provided (evidence only). Condition: Acute myeloid leukemia. Review status: no classification provided. Collection method: in vitro. Allele origin: not applicable. Functional consequence: skipped exon. Not counted in ClinVar's aggregate classification.

Dr. Peter K. Rogan Lab, Western University
No classification provided (evidence only). Condition: Acute myeloid leukemia. Review status: no classification provided. Collection method: in vitro. Allele origin: not applicable. Functional consequence: skipped exon, retained intron. Not counted in ClinVar's aggregate classification.

Dr. Peter K. Rogan Lab, Western University
No classification provided (evidence only). Condition: Acute myeloid leukemia. Review status: no classification provided. Collection method: in vitro. Allele origin: not applicable. Functional consequence: skipped exon. Not counted in ClinVar's aggregate classification.

Dr. Peter K. Rogan Lab, Western University
No classification provided (evidence only). Condition: Acute myeloid leukemia. Review status: no classification provided. Collection method: in vitro. Allele origin: not applicable. Functional consequence: skipped exon. Not counted in ClinVar's aggregate classification.

Dr. Peter K. Rogan Lab, Western University
No classification provided (evidence only). Condition: Uterine corpus endometrial carcinoma. Review status: no classification provided. Collection method: in vitro. Allele origin: not applicable. Functional consequence: retained intron. Not counted in ClinVar's aggregate classification.

Dr. Peter K. Rogan Lab, Western University
No classification provided (evidence only). Condition: Uterine corpus endometrial carcinoma. Review status: no classification provided. Collection method: in vitro. Allele origin: not applicable. Functional consequence: retained intron. Not counted in ClinVar's aggregate classification.

Dr. Peter K. Rogan Lab, Western University
No classification provided (evidence only). Condition: Uterine corpus endometrial carcinoma. Review status: no classification provided. Collection method: in vitro. Allele origin: not applicable. Functional consequence: retained intron. Not counted in ClinVar's aggregate classification.

Dr. Peter K. Rogan Lab, Western University
No classification provided (evidence only). Condition: Uterine corpus endometrial carcinoma. Review status: no classification provided. Collection method: in vitro. Allele origin: not applicable. Functional consequence: skipped exon. Not counted in ClinVar's aggregate classification.

Dr. Peter K. Rogan Lab, Western University
No classification provided (evidence only). Condition: Thymoma. Review status: no classification provided. Collection method: in vitro. Allele origin: not applicable. Functional consequence: retained intron. Not counted in ClinVar's aggregate classification.

Dr. Peter K. Rogan Lab, Western University
No classification provided (evidence only). Condition: Gastric cancer. Review status: no classification provided. Collection method: in vitro. Allele origin: not applicable. Functional consequence: retained intron. Not counted in ClinVar's aggregate classification.

Dr. Peter K. Rogan Lab, Western University
No classification provided (evidence only). Condition: Gastric cancer. Review status: no classification provided. Collection method: in vitro. Allele origin: not applicable. Functional consequence: retained intron. Not counted in ClinVar's aggregate classification.

Dr. Peter K. Rogan Lab, Western University
No classification provided (evidence only). Condition: Gastric cancer. Review status: no classification provided. Collection method: in vitro. Allele origin: not applicable. Functional consequence: retained intron. Not counted in ClinVar's aggregate classification.

Dr. Peter K. Rogan Lab, Western University
No classification provided (evidence only). Condition: Uterine carcinosarcoma. Review status: no classification provided. Collection method: in vitro. Allele origin: not applicable. Functional consequence: retained intron. Not counted in ClinVar's aggregate classification.

NM_001271.4(CHD2):c.4008+237C>T

Gene: CHD2 (chromodomain helicase DNA binding protein 2; plus strand). Cytogenetic location: 15q26.1.
Variant type: single nucleotide variant.
Coding change: c.4008+237C>T on transcript NM_001271.4 (MANE Select); 237 bases into the intron after coding-DNA position 4008, C replaced by T.
Molecular consequence: intron variant.
Genome position (GRCh38, 1-based): chr15:92,998,858, C>T. VCF-style: chr15-92998858-C-T. GRCh37 (hg19) VCF-style: chr15-93542088-C-T.
Other names: NC_000015.9:g.93542088C>T.
Identifiers: ClinVar variation 678931 (VCV000678931.2), dbSNP rs7174043, ClinGen allele CA14152041.